The following is an entry in ClinVar:

NM_006258.4(PRKG1):c.1363G>C (p.Ala455Pro)

Gene: PRKG1 (protein kinase cGMP-dependent 1; plus strand). Cytogenetic location: 10q21.1.
Variant type: single nucleotide variant.
Coding change: c.1363G>C on transcript NM_006258.4 (MANE Select); coding-DNA position 1363, G replaced by C.
Protein change: p.Ala455Pro; replaces alanine 455 with proline.
Molecular consequence: missense variant.
Genome position (GRCh38, 1-based): chr10:52,272,441, G>C. VCF-style: chr10-52272441-G-C. GRCh37 (hg19) VCF-style: chr10-54032201-G-C.
Other names: c.1318G>C, p.Ala440Pro (NM_001098512.3); c.154G>C, p.Ala52Pro (NM_001374781.1); short protein forms A455P, A52P, A440P.
Identifiers: ClinVar variation 5027362 (VCV005027362.1).

ClinVar aggregate classification (germline): Uncertain significance (1 of 4 stars; one submission).

Conditions:
Familial thoracic aortic aneurysm and aortic dissection (TAAD). Also called: Thoracic aortic aneurysms and dissections. Identifiers: Orphanet 91387, MedGen C4707243, MONDO:0019625.

Submission:

Ambry Genetics
Classification: Uncertain significance for Familial thoracic aortic aneurysm and aortic dissection. Last evaluated: 2026-08-29. Review status: criteria provided, single submitter. Criteria: Ambry Variant Classification Scheme 2023. Collection method: clinical testing. Allele origin: germline.
Comment: The p.A455P variant (also known as c.1363G>C), located in coding exon 12 of the PRKG1 gene, results from a G to C substitution at nucleotide position 1363. The alanine at codon 455 is replaced by proline, an amino acid with highly similar properties. This amino acid position is conserved. In addition, this alteration is predicted to be tolerated by in silico analysis. Based on the available evidence, the clinical significance of this variant remains unclear.